The following is an entry in ClinVar:

ClinVar aggregate classification (germline): Benign. Review status: criteria provided, multiple submitters, no conflicts (2 of 4 stars). 3 submissions from 3 submitters: Benign (3). Last evaluated 2018-01-13.

Conditions:
Episodic ataxia type 5. Identifiers: Orphanet 211067, MedGen C1866039, MONDO:0013464, OMIM 613855.

Allele frequency attached by ClinVar (database versions not stated): 1000 Genomes Project 0.00260; 1000 Genomes Project 30x 0.00328; ESP Exome Variant Server 0.00406; TOPMed 0.00507; gnomAD 0.00513 and 0.00516; gnomAD exomes 0.00615; ExAC 0.00628.
gnomAD v4.1: 9,870 of 1,505,854 alleles (0.66%); highest among the groups gnomAD compares: Middle Eastern, 0.96%; 46 homozygotes.

Submissions (3):

Illumina Laboratory Services, Illumina
Classification: Benign for Episodic ataxia type 5. Last evaluated: 2018-01-13. Review status: criteria provided, single submitter. Criteria: ICSL Variant Classification Criteria 13 December 2019. Collection method: clinical testing. Allele origin: germline.
Comment: This variant was observed in the ICSL laboratory as part of a predisposition screen in an ostensibly healthy population. It had not been previously curated by ICSL or reported in the Human Gene Mutation Database (HGMD: prior to June 1st, 2018), and was therefore a candidate for classification through an automated scoring system. Utilizing variant allele frequency, disease prevalence and penetrance estimates, and inheritance mode, an automated score was calculated to assess if this variant is too frequent to cause the disease. Based on the score and internal cut-off values, a variant classified as benign is not then subjected to further curation. The score for this variant resulted in a classification of benign for this disease.

GeneDx
Classification: Benign. Last evaluated: 2013-10-22. Review status: criteria provided, single submitter. Criteria: GeneDx Variant Classification (06012015). Collection method: clinical testing. Allele origin: germline. Affected: yes.
Comment: This variant is considered likely benign or benign based on one or more of the following criteria: it is a conservative change, it occurs at a poorly conserved position in the protein, it is predicted to be benign by multiple in silico algorithms, and/or has population frequency not consistent with disease.

Breakthrough Genomics
Classification: Benign. Review status: criteria provided, single submitter. Criteria: ACMG Guidelines, 2015. Collection method: not provided. Allele origin: germline. Inheritance: Autosomal dominant inheritance. Affected: yes.

NM_000726.5(CACNB4):c.-25G>T

Genes: CACNB4 (calcium voltage-gated channel auxiliary subunit beta 4; minus strand), LOC129934925 (ATAC-STARR-seq lymphoblastoid silent region 12010; plus strand). Cytogenetic location: 2q23.3.
Variant type: single nucleotide variant.
Coding change: c.-25G>T on transcript NM_000726.5 (MANE Select); 25 bases upstream of the start codon, G replaced by T.
Molecular consequence: 5 prime UTR variant.
Genome position (GRCh38, 1-based): chr2:152,099,036, C>A on the plus strand (G>T on the coding strand, the complement: CACNB4 is on the minus strand). VCF-style: chr2-152099036-C-A. GRCh37 (hg19) VCF-style: chr2-152955550-C-A.
Other names: c.-25G>T (NM_001145798.3).
Identifiers: ClinVar variation 136656 (VCV000136656.7), dbSNP rs143675846, ClinGen allele CA289958.